The following is an entry in ClinVar:

ClinVar aggregate classification (germline): Uncertain significance. Review status: criteria provided, multiple submitters, no conflicts (2 of 4 stars). 2 submissions from 2 submitters: Uncertain significance (2). Last evaluated 2025-07-14.

Allele frequency attached by ClinVar (database versions not stated): gnomAD exomes 0.00001.

Submissions (2):

Ambry Genetics
Classification: Uncertain significance. Last evaluated: 2025-07-14. Review status: criteria provided, single submitter. Criteria: Ambry Variant Classification Scheme 2023. Collection method: clinical testing. Allele origin: germline.

Labcorp Genetics (formerly Invitae), Labcorp
Classification: Uncertain significance. Last evaluated: 2023-12-22. Review status: criteria provided, single submitter. Criteria: Invitae Variant Classification Sherloc (09022015). Collection method: clinical testing. Allele origin: germline.
Comment: This sequence change replaces arginine, which is basic and polar, with histidine, which is basic and polar, at codon 437 of the NAF1 protein (p.Arg437His). This variant is not present in population databases (gnomAD no frequency). This variant has not been reported in the literature in individuals affected with NAF1-related conditions. Algorithms developed to predict the effect of missense changes on protein structure and function output the following: SIFT: "Not Available"; PolyPhen-2: "Benign"; Align-GVGD: "Not Available". The histidine amino acid residue is found in multiple mammalian species, which suggests that this missense change does not adversely affect protein function. In summary, the available evidence is currently insufficient to determine the role of this variant in disease. Therefore, it has been classified as a Variant of Uncertain Significance.

NM_138386.3(NAF1):c.1310G>A (p.Arg437His)

Gene: NAF1 (nuclear assembly factor 1 ribonucleoprotein; minus strand). Cytogenetic location: 4q32.2.
Variant type: single nucleotide variant.
Coding change: c.1310G>A on transcript NM_138386.3 (MANE Select); coding-DNA position 1310, G replaced by A.
Protein change: p.Arg437His; replaces arginine 437 with histidine.
Molecular consequence: missense variant. On other transcripts: intron variant (1).
Genome position (GRCh38, 1-based): chr4:163,129,072, C>T on the plus strand (G>A on the coding strand, the complement: NAF1 is on the minus strand). VCF-style: chr4-163129072-C-T. GRCh37 (hg19) VCF-style: chr4-164050224-C-T.
Other names: c.1034-1957G>A (NM_001128931.2); c.1310G>A (NM_138386.2); short protein forms R437H.
Identifiers: ClinVar variation 2964150 (VCV002964150.4), dbSNP rs1196513032, ClinGen allele CA358662875.